The following is an entry in ClinVar:

ClinVar aggregate classification (germline): Uncertain significance. Review status: criteria provided, multiple submitters, no conflicts (2 of 4 stars). 2 submissions from 2 submitters: Uncertain significance (2). Last evaluated 2025-08-15.

Conditions:
Inborn genetic diseases. Identifiers: MedGen C0950123, MeSH D030342.

Allele frequency attached by ClinVar (database versions not stated): gnomAD exomes below 0.00001 and 0.00001; ExAC 0.00002; gnomAD 0.00002; TOPMed 0.00002.
gnomAD v4.1: 10 of 1,613,966 alleles (0.00062%); highest among the groups gnomAD compares: African/African-American, 0.0027%; no homozygotes.

Submissions (2):

Ambry Genetics
Classification: Uncertain significance for Inborn genetic diseases. Last evaluated: 2025-08-15. Review status: criteria provided, single submitter. Criteria: Ambry Variant Classification Scheme 2023. Collection method: clinical testing. Allele origin: germline.

Labcorp Genetics (formerly Invitae), Labcorp
Classification: Uncertain significance. Last evaluated: 2022-09-19. Review status: criteria provided, single submitter. Criteria: Invitae Variant Classification Sherloc (09022015). Collection method: clinical testing. Allele origin: germline.
Comment: This sequence change replaces lysine, which is basic and polar, with arginine, which is basic and polar, at codon 15 of the SLC27A4 protein (p.Lys15Arg). This variant is present in population databases (rs774441905, gnomAD 0.004%). This variant has not been reported in the literature in individuals affected with SLC27A4-related conditions. ClinVar contains an entry for this variant (Variation ID: 1485135). Algorithms developed to predict the effect of missense changes on protein structure and function output the following: SIFT: "Tolerated"; PolyPhen-2: "Benign"; Align-GVGD: "Class C0". The arginine amino acid residue is found in multiple mammalian species, which suggests that this missense change does not adversely affect protein function. Algorithms developed to predict the effect of sequence changes on RNA splicing suggest that this variant may create or strengthen a splice site. In summary, the available evidence is currently insufficient to determine the role of this variant in disease. Therefore, it has been classified as a Variant of Uncertain Significance.

NM_005094.4(SLC27A4):c.44A>G (p.Lys15Arg)

Gene: SLC27A4 (solute carrier family 27 member 4; plus strand). Cytogenetic location: 9q34.11.
Variant type: single nucleotide variant.
Coding change: c.44A>G on transcript NM_005094.4 (MANE Select); coding-DNA position 44, A replaced by G.
Protein change: p.Lys15Arg; replaces lysine 15 with arginine.
Molecular consequence: missense variant.
Genome position (GRCh38, 1-based): chr9:128,343,176, A>G. VCF-style: chr9-128343176-A-G. GRCh37 (hg19) VCF-style: chr9-131105455-A-G.
Other names: c.44A>G (NM_005094.3); short protein forms K15R.
Identifiers: ClinVar variation 1485135 (VCV001485135.6), dbSNP rs774441905, ClinGen allele CA5260806.
Genomic context (GRCh38, chr9:128,343,176, plus strand): 5'-TGTGTCCGCAGGCCACAATGCTGCTTGGAGCCTCTCTGGTGGGGGTGCTGCTGTTCTCCA[A>G]GCTGGTGCTGAAACTGCCCTGGACCCAGGTGGGATTCTCCCTGTTGTTCCTCTACTTGGG-3'
Protein context (NP_005085.2, residues 5-25): ASLVGVLLFS[Lys15Arg]LVLKLPWTQV